The following is an entry in ClinVar:

ClinVar aggregate classification (germline): Likely pathogenic (1 of 4 stars; one submission).

gnomAD v4.1: 1 of 1,522,254 alleles (0.000066%); highest among the groups gnomAD compares: Middle Eastern, 0.017%; no homozygotes.

Submission:

Labcorp Genetics (formerly Invitae), Labcorp
Classification: Likely pathogenic. Last evaluated: 2024-11-27. Review status: criteria provided, single submitter. Criteria: Invitae Variant Classification Sherloc (09022015). Collection method: clinical testing. Allele origin: germline.
Comment: This sequence change affects a donor splice site in intron 1 of the DNAH9 gene. It is expected to disrupt RNA splicing. Variants that disrupt the donor or acceptor splice site typically lead to a loss of protein function (PMID: 16199547), and loss-of-function variants in DNAH9 are known to be pathogenic (PMID: 30471718). This variant is not present in population databases (gnomAD no frequency). This variant has not been reported in the literature in individuals affected with DNAH9-related conditions. Algorithms developed to predict the effect of sequence changes on RNA splicing suggest that this variant may disrupt the consensus splice site. In summary, the currently available evidence indicates that the variant is pathogenic, but additional data are needed to prove that conclusively. Therefore, this variant has been classified as Likely Pathogenic.

Literature cited by the submitters: PubMed 16199547; PubMed 30471718.

NM_001372.4(DNAH9):c.417+1G>T

Gene: DNAH9 (dynein axonemal heavy chain 9; plus strand). Cytogenetic location: 17p12.
Variant type: single nucleotide variant.
Coding change: c.417+1G>T on transcript NM_001372.4 (MANE Select); the canonical splice donor site of the intron after coding-DNA position 417, G replaced by T.
Molecular consequence: splice donor variant.
Genome position (GRCh38, 1-based): chr17:11,598,916, G>T. VCF-style: chr17-11598916-G-T. GRCh37 (hg19) VCF-style: chr17-11502233-G-T.
Identifiers: ClinVar variation 3640799 (VCV003640799.2).